The following is an entry in ClinVar:

NM_001128164.2(ATXN1):c.771C>T (p.Thr257=)

Gene: ATXN1 (ataxin 1; minus strand). Cytogenetic location: 6p22.3.
Variant type: single nucleotide variant.
Coding change: c.771C>T on transcript NM_001128164.2 (MANE Select); coding-DNA position 771, C replaced by T.
Protein change: p.Thr257=; no amino-acid change (threonine 257 retained).
Molecular consequence: synonymous variant. On other transcripts: 3 prime UTR variant (1).
Genome position (GRCh38, 1-based): chr6:16,327,540, G>A on the plus strand (C>T on the coding strand, the complement: ATXN1 is on the minus strand). VCF-style: chr6-16327540-G-A. GRCh37 (hg19) VCF-style: chr6-16327771-G-A.
Other names: c.771C>T, p.Thr257= (NM_000332.4); c.*184C>T (NM_001357857.2).
Identifiers: ClinVar variation 4533766 (VCV004533766.6).

ClinVar aggregate classification (germline): Likely benign (1 of 4 stars; one submission).

gnomAD v4.1: 109 of 1,608,698 alleles (0.0068%); highest among the groups gnomAD compares: African/African-American, 0.1%; no homozygotes.

Submission:

CeGaT Center for Human Genetics Tuebingen
Classification: Likely benign. Last evaluated: 2025-11-01. Review status: criteria provided, single submitter. Criteria: CeGaT Center For Human Genetics Tuebingen Variant Classification Criteria Version 2. Collection method: clinical testing. Allele origin: germline. Affected: yes. Observed: 1 variant allele.
Comment: ATXN1: BP4, BP7